The following is an entry in ClinVar:

NM_004946.3(DOCK2):c.986A>G (p.Asp329Gly)

Gene: DOCK2 (dedicator of cytokinesis 2; plus strand). Cytogenetic location: 5q35.1.
Variant type: single nucleotide variant.
Coding change: c.986A>G on transcript NM_004946.3 (MANE Select); coding-DNA position 986, A replaced by G.
Protein change: p.Asp329Gly; replaces aspartic acid 329 with glycine.
Molecular consequence: missense variant. On other transcripts: non-coding transcript variant (1).
Genome position (GRCh38, 1-based): chr5:169,698,380, A>G. VCF-style: chr5-169698380-A-G. GRCh37 (hg19) VCF-style: chr5-169125384-A-G.
Other names: short protein forms D329G.
Identifiers: ClinVar variation 1494299 (VCV001494299.8), dbSNP rs1760758083, ClinGen allele CA362105025.

ClinVar aggregate classification (germline): Uncertain significance (1 of 4 stars; one submission).

Conditions:
DOCK2 deficiency. Also called: Immunodeficiency 40. Identifiers: Orphanet 447737, MedGen C4225328, MONDO:0014637, OMIM 616433.

Submission:

Labcorp Genetics (formerly Invitae), Labcorp
Classification: Uncertain significance for DOCK2 deficiency. Last evaluated: 2020-12-17. Review status: criteria provided, single submitter. Criteria: Invitae Variant Classification Sherloc (09022015). Collection method: clinical testing. Allele origin: germline.
Comment: This sequence change replaces aspartic acid with glycine at codon 329 of the DOCK2 protein (p.Asp329Gly). The aspartic acid residue is highly conserved and there is a moderate physicochemical difference between aspartic acid and glycine. In summary, the available evidence is currently insufficient to determine the role of this variant in disease. Therefore, it has been classified as a Variant of Uncertain Significance. Algorithms developed to predict the effect of sequence changes on RNA splicing suggest that this variant may create or strengthen a splice site, but this prediction has not been confirmed by published transcriptional studies. Algorithms developed to predict the effect of missense changes on protein structure and function are either unavailable or do not agree on the potential impact of this missense change (SIFT: "Deleterious"; PolyPhen-2: "Benign"; Align-GVGD: "Class C15"). This variant has not been reported in the literature in individuals with DOCK2-related conditions. This variant is not present in population databases (ExAC no frequency).